The following is an entry in ClinVar:

ClinVar aggregate classification (germline): Uncertain significance (1 of 4 stars; one submission).

Conditions:
Hereditary cancer-predisposing syndrome. Also called: Neoplastic Syndromes, Hereditary; Tumor predisposition; Hereditary neoplastic syndrome; Hereditary Cancer Syndrome. Identifiers: Orphanet 140162, MedGen C0027672, MeSH D009386, MONDO:0015356.

Submission:

Ambry Genetics
Classification: Uncertain significance for Hereditary cancer-predisposing syndrome. Last evaluated: 2026-07-07. Review status: criteria provided, single submitter. Criteria: Ambry Variant Classification Scheme 2023. Collection method: clinical testing. Allele origin: germline.
Comment: The p.R374G variant (also known as c.1120C>G), located in coding exon 9 of the APC gene, results from a C to G substitution at nucleotide position 1120. The arginine at codon 374 is replaced by glycine, an amino acid with dissimilar properties. This amino acid position is conserved. In addition, in silico predictors for this gene do not accurately predict pathogenicity. Based on the available evidence, the clinical significance of this variant remains unclear.

NM_000038.6(APC):c.1120C>G (p.Arg374Gly)

Gene: APC (APC regulator of Wnt signaling pathway; plus strand). Cytogenetic location: 5q22.2.
Variant type: single nucleotide variant.
Coding change: c.1120C>G on transcript NM_000038.6 (MANE Select); coding-DNA position 1120, C replaced by G.
Protein change: p.Arg374Gly; replaces arginine 374 with glycine.
Molecular consequence: missense variant. On other transcripts: non-coding transcript variant (2), intron variant (15).
Genome position (GRCh38, 1-based): chr5:112,819,152, C>G. VCF-style: chr5-112819152-C-G. GRCh37 (hg19) VCF-style: chr5-112154849-C-G.
Other names: c.1045C>G, p.Arg349Gly (NM_001354898.2, NM_001407451.1); c.1036C>G, p.Arg346Gly (NM_001354899.2, NM_001407452.1); c.943C>G, p.Arg315Gly (NM_001354900.2, NM_001354901.2, NM_001407453.1); c.271C>G, p.Arg91Gly (NM_001354906.2, NM_001407470.1); c.1150C>G, p.Arg384Gly (NM_001407446.1, NM_001354897.2); c.1120C>G, p.Arg374Gly (NM_001407447.1, NM_001407448.1, NM_001407449.1 and 4 more transcripts); c.1066C>G, p.Arg356Gly (NM_001127511.3); c.85-117C>G (NM_001407472.1, NM_001407471.1); and 5 more; short protein forms R91G, R315G, R356G, R374G, R349G, R346G, R384G.
Identifiers: ClinVar variation 5024319 (VCV005024319.1).